The following is an entry in ClinVar:

NM_000245.4(MET):c.2456C>G (p.Ala819Gly)

Gene: MET (MET proto-oncogene, receptor tyrosine kinase; plus strand). Cytogenetic location: 7q31.2.
Variant type: single nucleotide variant.
Coding change: c.2456C>G on transcript NM_000245.4 (MANE Select); coding-DNA position 2456, C replaced by G.
Protein change: p.Ala819Gly; replaces alanine 819 with glycine.
Molecular consequence: missense variant.
Genome position (GRCh38, 1-based): chr7:116,763,141, C>G. VCF-style: chr7-116763141-C-G. GRCh37 (hg19) VCF-style: chr7-116403195-C-G.
Other names: c.2510C>G, p.Ala837Gly (NM_001127500.3); c.2456C>G, p.Ala819Gly (NM_001324401.3); c.1166C>G, p.Ala389Gly (NM_001324402.2); short protein forms A389G, A819G, A837G.
Identifiers: ClinVar variation 1718816 (VCV001718816.6), dbSNP rs1390039369, ClinGen allele CA368983272.

ClinVar aggregate classification (germline): Uncertain significance. Review status: criteria provided, multiple submitters, no conflicts (2 of 4 stars). 2 submissions from 2 submitters: Uncertain significance (2). Last evaluated 2025-07-06.

Conditions:
Renal cell carcinoma. Identifiers: Orphanet 217071, MedGen C0007134, MeSH D002292, MONDO:0005086, HP:0005584.
Hereditary cancer-predisposing syndrome. Also called: Hereditary neoplastic syndrome; Neoplastic Syndromes, Hereditary; Hereditary Cancer Syndrome; Tumor predisposition. Identifiers: Orphanet 140162, MedGen C0027672, MeSH D009386, MONDO:0015356.

Submissions (2):

Ambry Genetics
Classification: Uncertain significance for Hereditary cancer-predisposing syndrome. Last evaluated: 2025-07-06. Review status: criteria provided, single submitter. Criteria: Ambry Variant Classification Scheme 2023. Collection method: clinical testing. Allele origin: germline.
Comment: The p.A837G variant (also known as c.2510C>G), located in coding exon 10 of the MET gene, results from a C to G substitution at nucleotide position 2510. The alanine at codon 837 is replaced by glycine, an amino acid with similar properties. This amino acid position is conserved. In addition, this alteration is predicted to be tolerated by in silico analysis. Based on the available evidence, the clinical significance of this variant remains unclear.

Labcorp Genetics (formerly Invitae), Labcorp
Classification: Uncertain significance for Renal cell carcinoma. Last evaluated: 2024-04-10. Review status: criteria provided, single submitter. Criteria: Invitae Variant Classification Sherloc (09022015). Collection method: clinical testing. Allele origin: germline.
Comment: This sequence change replaces alanine, which is neutral and non-polar, with glycine, which is neutral and non-polar, at codon 837 of the MET protein (p.Ala837Gly). This variant is not present in population databases (gnomAD no frequency). This variant has not been reported in the literature in individuals affected with MET-related conditions. ClinVar contains an entry for this variant (Variation ID: 1718816). Advanced modeling of protein sequence and biophysical properties (such as structural, functional, and spatial information, amino acid conservation, physicochemical variation, residue mobility, and thermodynamic stability) performed at Invitae indicates that this missense variant is not expected to disrupt MET protein function with a negative predictive value of 80%. In summary, the available evidence is currently insufficient to determine the role of this variant in disease. Therefore, it has been classified as a Variant of Uncertain Significance.